The following is an entry in ClinVar:

ClinVar aggregate classification (germline): Uncertain significance (1 of 4 stars; one submission).

gnomAD v4.1: 6 of 1,552,088 alleles (0.00039%); highest among the groups gnomAD compares: African/African-American, 0.0082%; no homozygotes.

Submission:

Labcorp Genetics (formerly Invitae), Labcorp
Classification: Uncertain significance. Last evaluated: 2025-12-15. Review status: criteria provided, single submitter. Criteria: Invitae Variant Classification Sherloc (09022015). Collection method: clinical testing. Allele origin: germline.
Comment: This sequence change replaces aspartic acid, which is acidic and polar, with glutamic acid, which is acidic and polar, at codon 1374 of the TOP2B protein (p.Asp1374Glu). This variant is present in population databases (no rsID available, gnomAD 0.02%). This variant has not been reported in the literature in individuals affected with TOP2B-related conditions. An algorithm developed to predict the effect of missense changes on protein structure and function outputs the following: PolyPhen-2: "Benign". The glutamic acid amino acid residue is found in multiple mammalian species, which suggests that this missense change does not adversely affect protein function. In summary, the available evidence is currently insufficient to determine the role of this variant in disease. Therefore, it has been classified as a Variant of Uncertain Significance.

NM_001330700.2(TOP2B):c.4137T>G (p.Asp1379Glu)

Gene: TOP2B (DNA topoisomerase II beta; minus strand). Cytogenetic location: 3p24.2.
Variant type: single nucleotide variant.
Coding change: c.4137T>G on transcript NM_001330700.2 (MANE Select); coding-DNA position 4137, T replaced by G.
Protein change: p.Asp1379Glu; replaces aspartic acid 1379 with glutamic acid.
Molecular consequence: missense variant.
Genome position (GRCh38, 1-based): chr3:25,607,332, A>C on the plus strand (T>G on the coding strand, the complement: TOP2B is on the minus strand). VCF-style: chr3-25607332-A-C. GRCh37 (hg19) VCF-style: chr3-25648823-A-C.
Other names: c.4122T>G, p.Asp1374Glu (NM_001068.3); short protein forms D1379E, D1374E.
Identifiers: ClinVar variation 4766646 (VCV004766646.1).
Genomic context (GRCh38, chr3:25,607,332, plus strand): 5'-TGCTTTAACTTTCAATTCCTCTAAATCATTATTGTCATCATCATCATCATCAGCATCATC[A>C]TCCTCTTCTTCTGAGAAATCAAATGTGTATTTAGGTCTTTCGGCTAGGAGGAAAAATAAA-3'
Protein context (NP_001317629.1, residues 1369-1389): KYTFDFSEEE[Asp1379Glu]DDADDDDDDN